The following is an entry in ClinVar:

ClinVar aggregate classification (germline): Benign. Review status: criteria provided, multiple submitters, no conflicts (2 of 4 stars). 4 submissions from 4 submitters: Benign (3). 1 of the submissions does not count toward it. Last evaluated 2026-02-03.

Conditions:
SLC6A5-related disorder. Also called: SLC6A5-related condition.
Hyperekplexia 3 (HKPX3). Also called: HYPEREKPLEXIA 3, AUTOSOMAL RECESSIVE; HYPEREKPLEXIA 3, AUTOSOMAL DOMINANT. Identifiers: Orphanet 3197, MedGen C3553288, MONDO:0013827, OMIM 614618.

Allele frequency attached by ClinVar (database versions not stated): ESP Exome Variant Server 0.05075; gnomAD 0.07046; TOPMed 0.08000; ExAC 0.09899; gnomAD exomes 0.10656; 1000 Genomes Project 30x 0.11446; 1000 Genomes Project 0.12061.
gnomAD v4.1: 124,655 of 1,613,700 alleles (7.7%); highest among the groups gnomAD compares: East Asian, 39%; 7,986 homozygotes.

Submissions (4):

Labcorp Genetics (formerly Invitae), Labcorp
Classification: Benign for Hyperekplexia 3. Last evaluated: 2026-02-03. Review status: criteria provided, single submitter. Criteria: Invitae Variant Classification Sherloc (09022015). Collection method: clinical testing. Allele origin: germline.

Blueprint Genetics
Classification: Benign. Last evaluated: 2024-11-27. Review status: criteria provided, single submitter. Criteria: ACMG Guidelines, 2015. Collection method: clinical testing. Allele origin: germline.

Breakthrough Genomics
Classification: Benign. Review status: criteria provided, single submitter. Criteria: ACMG Guidelines, 2015. Collection method: not provided. Allele origin: germline. Inheritance: Autosomal dominant inheritance. Affected: yes.

PreventionGenetics, part of Exact Sciences
Classification: Benign for SLC6A5-related condition. Last evaluated: 2019-08-28. Review status: no assertion criteria provided. Collection method: clinical testing. Allele origin: germline. Not counted in ClinVar's aggregate classification.
Comment: This variant is classified as benign based on ACMG/AMP sequence variant interpretation guidelines (Richards et al. 2015 PMID: 25741868, with internal and published modifications).

NM_004211.5(SLC6A5):c.951G>A (p.Thr317=)

Gene: SLC6A5 (solute carrier family 6 member 5; plus strand). Cytogenetic location: 11p15.1.
Variant type: single nucleotide variant.
Coding change: c.951G>A on transcript NM_004211.5 (MANE Select); coding-DNA position 951, G replaced by A.
Protein change: p.Thr317=; no amino-acid change (threonine 317 retained).
Molecular consequence: synonymous variant.
Genome position (GRCh38, 1-based): chr11:20,607,618, G>A. VCF-style: chr11-20607618-G-A. GRCh37 (hg19) VCF-style: chr11-20629164-G-A.
Other names: c.249G>A, p.Thr83= (NM_001318369.2); c.951G>A (NM_004211.4).
Identifiers: ClinVar variation 304016 (VCV000304016.17), dbSNP rs1443551, ClinGen allele CA5921257.